The following is an entry in ClinVar:

NM_021146.4(ANGPTL7):c.696C>T (p.Tyr232=)

Genes: ANGPTL7 (angiopoietin like 7; plus strand), MTOR (mechanistic target of rapamycin kinase; minus strand), LOC129388452 (MPRA-validated peak73 silencer; plus strand). Cytogenetic location: 1p36.22.
Variant type: single nucleotide variant.
Coding change: c.696C>T on transcript NM_021146.4 (MANE Select); coding-DNA position 696, C replaced by T.
Protein change: p.Tyr232=; no amino-acid change (tyrosine 232 retained).
Molecular consequence: synonymous variant. On other transcripts: intron variant (3).
Genome position (GRCh38, 1-based): chr1:11,194,484, C>T. VCF-style: chr1-11194484-C-T. GRCh37 (hg19) VCF-style: chr1-11254541-C-T.
Other names: c.3005+4774G>A (NM_001386501.1); c.4253+4774G>A (NM_004958.4, NM_001386500.1).
Identifiers: ClinVar variation 4822586 (VCV004822586.4).

ClinVar aggregate classification (germline): Likely benign (1 of 4 stars; one submission).

gnomAD v4.1: 15 of 1,614,170 alleles (0.00093%); highest among the groups gnomAD compares: Middle Eastern, 0.017%; no homozygotes.

Submission:

CeGaT Center for Human Genetics Tuebingen
Classification: Likely benign. Last evaluated: 2026-02-01. Review status: criteria provided, single submitter. Criteria: CeGaT Center For Human Genetics Tuebingen Variant Classification Criteria Version 2. Collection method: clinical testing. Allele origin: germline. Affected: yes. Observed: 1 variant allele.
Comment: ANGPTL7: BP4, BP7